The following is an entry in ClinVar:

ClinVar aggregate classification (germline): Uncertain significance (1 of 4 stars; one submission).

Submission:

Labcorp Genetics (formerly Invitae), Labcorp
Classification: Uncertain significance. Last evaluated: 2022-10-25. Review status: criteria provided, single submitter. Criteria: Invitae Variant Classification Sherloc (09022015). Collection method: clinical testing. Allele origin: germline.
Comment: This sequence change replaces arginine, which is basic and polar, with lysine, which is basic and polar, at codon 1687 of the CDH23 protein (p.Arg1687Lys). This variant is not present in population databases (gnomAD no frequency). This variant has not been reported in the literature in individuals affected with CDH23-related conditions. ClinVar contains an entry for this variant (Variation ID: 1018315). Advanced modeling of protein sequence and biophysical properties (such as structural, functional, and spatial information, amino acid conservation, physicochemical variation, residue mobility, and thermodynamic stability) performed at Invitae indicates that this missense variant is not expected to disrupt CDH23 protein function. In summary, the available evidence is currently insufficient to determine the role of this variant in disease. Therefore, it has been classified as a Variant of Uncertain Significance.

NM_022124.6(CDH23):c.5060G>A (p.Arg1687Lys)

Gene: CDH23 (cadherin related 23; plus strand). Cytogenetic location: 10q22.1.
Variant type: single nucleotide variant.
Coding change: c.5060G>A on transcript NM_022124.6 (MANE Select); coding-DNA position 5060, G replaced by A.
Protein change: p.Arg1687Lys; replaces arginine 1687 with lysine.
Molecular consequence: missense variant.
Genome position (GRCh38, 1-based): chr10:71,777,894, G>A. VCF-style: chr10-71777894-G-A. GRCh37 (hg19) VCF-style: chr10-73537651-G-A.
Other names: short protein forms R1687K.
Identifiers: ClinVar variation 1018315 (VCV001018315.8), dbSNP rs1840855838, ClinGen allele CA377140456.